The following is an entry in ClinVar:

ClinVar aggregate classification (germline): Uncertain significance (1 of 4 stars; one submission).

Conditions:
Familial adenomatous polyposis 1 (FAP1). Also called: FAMILIAL ADENOMATOUS POLYPOSIS 1, ATTENUATED; POLYPOSIS, ADENOMATOUS INTESTINAL. Identifiers: MedGen C2713442, MONDO:0021056, OMIM 175100. Disease mechanism: loss of function.

Allele frequency attached by ClinVar (database versions not stated): gnomAD exomes below 0.00001.
gnomAD v4.1: 2 of 1,370,636 alleles (0.00015%); highest among the groups gnomAD compares: South Asian, 0.0012%; no homozygotes.

Submission:

Labcorp Genetics (formerly Invitae), Labcorp
Classification: Uncertain significance for Familial adenomatous polyposis 1. Last evaluated: 2023-11-20. Review status: criteria provided, single submitter. Criteria: Invitae Variant Classification Sherloc (09022015). Collection method: clinical testing. Allele origin: germline.
Comment: This variant occurs in a non-coding region of the APC gene. It does not change the encoded amino acid sequence of the APC protein. This variant is not present in population databases (gnomAD no frequency). This variant has not been reported in the literature in individuals affected with APC-related conditions. Experimental studies and prediction algorithms are not available or were not evaluated, and the functional significance of this variant is currently unknown. In summary, the available evidence is currently insufficient to determine the role of this variant in disease. Therefore, it has been classified as a Variant of Uncertain Significance.

NM_001127511.3(APC):c.81C>T (p.Thr27=)

Gene: APC (APC regulator of Wnt signaling pathway; plus strand). Cytogenetic location: 5q22.2.
Variant type: single nucleotide variant.
Coding change: c.81C>T on transcript NM_001127511.3; coding-DNA position 81, C replaced by T.
Protein change: p.Thr27=; no amino-acid change (threonine 27 retained).
Molecular consequence: synonymous variant. On other transcripts: 5 prime UTR variant (8), non-coding transcript variant (1), intron variant (5).
Genome position (GRCh38, 1-based): chr5:112,707,798, C>T. VCF-style: chr5-112707798-C-T. GRCh37 (hg19) VCF-style: chr5-112043495-C-T.
Other names: c.-103C>T (NM_001354895.2, NM_001407447.1, NM_001407452.1 and 3 more transcripts); c.81C>T, p.Thr27= (NM_001354897.2, NM_001354902.2, NM_001407446.1); c.-1138C>T (NM_001407470.1, NM_001407472.1); c.-19+149C>T (NM_001407448.1, NM_001407450.1, NM_001407457.1 and 1 more transcripts); c.-43+149C>T (NM_001407453.1).
Identifiers: ClinVar variation 1972217 (VCV001972217.5), dbSNP rs2149630931, ClinGen allele CA2580072331.
Genomic context (GRCh38, chr5:112,707,798, plus strand): 5'-GGGTCCGGTCGCCCCTTTGCCCGCTTCTGTACCACCCTCAGTTCTCGGGTCCTGGAGCAC[C>T]GGCGGCAGCAGGAGCTGCGTCCGGCAGGAGACGAAGAGCCCGGGCGGCGCTCGTACTTCT-3'